The following is an entry in ClinVar:

NM_198253.3(TERT):c.131dup (p.Ala45fs)

Genes: TERT (telomerase reverse transcriptase; minus strand), LOC110806263 (TERT 5' regulatory region; plus strand). Cytogenetic location: 5p15.33.
Variant type: Duplication.
Coding change: c.131dup on transcript NM_198253.3 (MANE Select); coding-DNA position 131, one base duplicated (C; older notation c.131dupC).
Protein change: p.Ala45fs; shifts the reading frame from alanine 45.
Molecular consequence: frameshift variant. On other transcripts: non-coding transcript variant (2).
Genome position (GRCh38, 1-based): chr5:1,294,859, G duplicated on the plus strand (C on the coding strand, the reverse complement: TERT is on the minus strand); the first of 3 consecutive G bases (chr5:1,294,859-1,294,861); duplicating any one gives the same sequence. VCF-style (leftmost placement, unchanged base first): chr5-1294858-C-CG. GRCh37 (hg19) VCF-style: chr5-1294973-C-CG.
Other names: c.131dup, p.Ala45fs (NM_001193376.3); c.129dup, p.Ala45Glyfs (NM_003219.1); short protein forms A45fs.
Identifiers: ClinVar variation 2946767 (VCV002946767.3), dbSNP rs2478433975, ClinGen allele CA2740091665.

ClinVar aggregate classification (germline): Pathogenic (1 of 4 stars; one submission).

Conditions:
Idiopathic Pulmonary Fibrosis. Also called: Idiopathic fibrosing alveolitis, chronic form; idiopathic fibrosing alveolitis. Identifiers: Orphanet 2032, MedGen C1800706, MeSH D054990, MONDO:0800504.
Dyskeratosis congenita, autosomal dominant 2. Identifiers: MedGen C3151443, MONDO:0013521, OMIM 613989.

Submission:

Labcorp Genetics (formerly Invitae), Labcorp
Classification: Pathogenic for Dyskeratosis congenita, autosomal dominant 2; Idiopathic Pulmonary Fibrosis. Last evaluated: 2023-05-09. Review status: criteria provided, single submitter. Criteria: Invitae Variant Classification Sherloc (09022015). Collection method: clinical testing. Allele origin: germline.
Comment: For these reasons, this variant has been classified as Pathogenic. This variant has not been reported in the literature in individuals affected with TERT-related conditions. This variant is not present in population databases (gnomAD no frequency). This sequence change creates a premature translational stop signal (p.Ala45Glyfs*147) in the TERT gene. It is expected to result in an absent or disrupted protein product. Loss-of-function variants in TERT are known to be pathogenic (PMID: 16247010, 17460043).

Literature cited by the submitters: PubMed 16247010; PubMed 17460043.